The following is an entry in ClinVar:

NM_000435.3(NOTCH3):c.6415C>T (p.Gln2139Ter)

Gene: NOTCH3 (notch receptor 3; minus strand). Cytogenetic location: 19p13.12.
Variant type: single nucleotide variant.
Coding change: c.6415C>T on transcript NM_000435.3 (MANE Select); coding-DNA position 6415, C replaced by T.
Protein change: p.Gln2139Ter; replaces glutamine 2139 with a stop codon.
Molecular consequence: nonsense.
Genome position (GRCh38, 1-based): chr19:15,161,213, G>A on the plus strand (C>T on the coding strand, the complement: NOTCH3 is on the minus strand). VCF-style: chr19-15161213-G-A. GRCh37 (hg19) VCF-style: chr19-15272024-G-A.
Other names: short protein forms Q2139*.
Identifiers: ClinVar variation 4851736 (VCV004851736.1).

ClinVar aggregate classification (germline): Uncertain significance (1 of 4 stars; one submission).

gnomAD v4.1: 1 of 1,545,672 alleles (0.000065%); highest among the groups gnomAD compares: Non-Finnish European, 0.000087%; no homozygotes.

Submission:

Greenwood Genetic Center Diagnostic Laboratories, Greenwood Genetic Center
Classification: Uncertain significance. Last evaluated: 2025-01-08. Review status: criteria provided, single submitter. Criteria: ACMG Guidelines, 2015. Collection method: clinical testing. Allele origin: germline.
Comment: PVS1, PM2, BS2